The following is an entry in ClinVar:

NM_005619.5(RTN2):c.1168G>A (p.Gly390Ser)

Genes: OPA3-RTN2 (OPA3-RTN2 readthrough; minus strand), RTN2 (reticulon 2; minus strand). Cytogenetic location: 19q13.32.
Variant type: single nucleotide variant.
Coding change: c.1168G>A on transcript NM_005619.5 (MANE Select); coding-DNA position 1168, G replaced by A.
Protein change: p.Gly390Ser; replaces glycine 390 with serine.
Molecular consequence: missense variant.
Genome position (GRCh38, 1-based): chr19:45,489,419, C>T on the plus strand (G>A on the coding strand, the complement: RTN2 is on the minus strand). VCF-style: chr19-45489419-C-T. GRCh37 (hg19) VCF-style: chr19-45992677-C-T.
Other names: p.Gly390Ser; c.949G>A, p.Gly317Ser (NM_206900.3); c.148G>A, p.Gly50Ser (NM_206901.3); short protein forms G317S, G390S, G50S.
Identifiers: ClinVar variation 329549 (VCV000329549.54), dbSNP rs143937661, ClinGen allele CA9516064.

ClinVar aggregate classification (germline): Benign/Likely benign. Review status: criteria provided, multiple submitters, no conflicts (2 of 4 stars). 9 submissions from 9 submitters: Benign (3); Likely benign (4). 2 of the submissions do not count toward it. Last evaluated 2026-09-01.

Conditions:
Spastic paraplegia. Identifiers: MedGen C0037772, HP:0001258.
Hereditary spastic paraplegia. Also called: Familial spastic paraparesis. Identifiers: Orphanet 685, MedGen C0037773, MONDO:0019064. Disease mechanism: loss of function.

Allele frequency attached by ClinVar (database versions not stated): TOPMed 0.00213; 1000 Genomes Project 0.00220; 1000 Genomes Project 30x 0.00234; gnomAD 0.00242; ESP Exome Variant Server 0.00254; gnomAD exomes 0.00280; ExAC 0.00467.
gnomAD v4.1: 4,423 of 1,606,818 alleles (0.28%); highest among the groups gnomAD compares: South Asian, 0.71%; 14 homozygotes.

Submissions (13):

CeGaT Center for Human Genetics Tuebingen
Classification: Likely benign. Last evaluated: 2026-09-01. Review status: criteria provided, single submitter. Criteria: CeGaT Center For Human Genetics Tuebingen Variant Classification Criteria Version 2. Collection method: clinical testing. Allele origin: germline. Affected: yes. Observed: 14 variant alleles.
Comment: RTN2: BS2

Labcorp Genetics (formerly Invitae), Labcorp
Classification: Benign for Spastic paraplegia. Last evaluated: 2026-01-15. Review status: criteria provided, single submitter. Criteria: Invitae Variant Classification Sherloc (09022015). Collection method: clinical testing. Allele origin: germline.

Athena Diagnostics
Classification: Benign. Last evaluated: 2025-08-27. Review status: criteria provided, single submitter. Criteria: Athena Diagnostics Criteria. Collection method: clinical testing. Allele origin: unknown.
Comment: The frequency of this variant in the general population is higher than would generally be expected for pathogenic variants in this gene.

Genome Diagnostics Laboratory, The Hospital for Sick Children
Classification: Likely benign for Hereditary spastic paraplegia. Last evaluated: 2018-05-01. Review status: criteria provided, single submitter. Criteria: ACMG Guidelines, 2015. Collection method: clinical testing. Allele origin: germline. Affected: yes.

Mayo Clinic Laboratories, Mayo Clinic
Classification: Benign. Last evaluated: 2018-01-31. Review status: criteria provided, single submitter. Criteria: ACMG Guidelines, 2015. Collection method: clinical testing. Allele origin: germline. Observed: 11 variant alleles.

Center for Pediatric Genomic Medicine, Children's Mercy Hospital and Clinics
Classification: Likely benign. Last evaluated: 2016-10-13. Review status: criteria provided, single submitter. Criteria: ACMG Guidelines, 2015. Collection method: clinical testing. Allele origin: germline.
ClinVar note: Converted during submission from Likely Benign to Likely benign.

Breakthrough Genomics
Classification: Likely benign. Review status: criteria provided, single submitter. Criteria: ACMG Guidelines, 2015. Collection method: not provided. Allele origin: germline. Inheritance: Autosomal dominant inheritance. Affected: yes.

Clinical Genetics DNA and cytogenetics Diagnostics Lab, Erasmus MC, Erasmus Medical Center
Classification: Likely benign. Review status: no assertion criteria provided. Collection method: clinical testing. Allele origin: germline. Affected: yes. Study: VKGL Data-share Consensus. Not counted in ClinVar's aggregate classification.

Dr. Peter K. Rogan Lab, Western University
No classification provided (evidence only). Condition: Acute myeloid leukemia. Review status: no classification provided. Collection method: in vitro. Allele origin: not applicable. Functional consequence: skipped exon. Not counted in ClinVar's aggregate classification.

Dr. Peter K. Rogan Lab, Western University
No classification provided (evidence only). Condition: Thyroid cancer, nonmedullary, 1. Review status: no classification provided. Collection method: in vitro. Allele origin: not applicable. Functional consequence: skipped exon. Not counted in ClinVar's aggregate classification.

Dr. Peter K. Rogan Lab, Western University
No classification provided (evidence only). Condition: Nonpapillary renal cell carcinoma. Review status: no classification provided. Collection method: in vitro. Allele origin: not applicable. Functional consequence: retained intron. Not counted in ClinVar's aggregate classification.

Dr. Peter K. Rogan Lab, Western University
No classification provided (evidence only). Condition: Thymoma. Review status: no classification provided. Collection method: in vitro. Allele origin: not applicable. Functional consequence: retained intron. Not counted in ClinVar's aggregate classification.

Genome Diagnostics Laboratory, University Medical Center Utrecht
Classification: Likely benign. Review status: no assertion criteria provided. Collection method: clinical testing. Allele origin: germline. Affected: yes. Study: VKGL Data-share Consensus. Not counted in ClinVar's aggregate classification.

Literature cited by the submitters: PubMed 29970176 (cited by Athena Diagnostics).